The following is an entry in ClinVar:

NM_001040108.2(MLH3):c.2195A>C (p.Lys732Thr)

Gene: MLH3 (mutL homolog 3; minus strand). Cytogenetic location: 14q24.3.
Variant type: single nucleotide variant.
Coding change: c.2195A>C on transcript NM_001040108.2 (MANE Select); coding-DNA position 2195, A replaced by C.
Protein change: p.Lys732Thr; replaces lysine 732 with threonine.
Molecular consequence: missense variant.
Genome position (GRCh38, 1-based): chr14:75,047,461, T>G on the plus strand (A>C on the coding strand, the complement: MLH3 is on the minus strand). VCF-style: chr14-75047461-T-G. GRCh37 (hg19) VCF-style: chr14-75514164-T-G.
Other names: c.2195A>C, p.Lys732Thr (NM_014381.3); short protein forms K732T.
Identifiers: ClinVar variation 2563559 (VCV002563559.3), dbSNP rs2503276026, ClinGen allele CA390441235.
Genomic context (GRCh38, chr14:75,047,461, plus strand): 5'-CCTAGCTGTGAACTCAAGCTTAGCTTCTTACGGACGATTGGTTTGGAGAAACCAATTAAT[T>G]TATCTGTTTTCCTACTATCATTGGAAACGTGTCTATACCAGGGGAAAGAGGGGGATGTAT-3'
Protein context (NP_001035197.1, residues 722-742): HVSNDSRKTD[Lys732Thr]LIGFSKPIVR

ClinVar aggregate classification (germline): Uncertain significance (1 of 4 stars; one submission).

gnomAD v4.1: 1 of 1,614,134 alleles (0.000062%); highest among the groups gnomAD compares: Non-Finnish European, 0.000085%; no homozygotes.

Submission:

Ambry Genetics
Classification: Uncertain significance. Last evaluated: 2025-07-07. Review status: criteria provided, single submitter. Criteria: Ambry Variant Classification Scheme 2023. Collection method: clinical testing. Allele origin: germline.
Comment: The p.K732T variant (also known as c.2195A>C), located in coding exon 1 of the MLH3 gene, results from an A to C substitution at nucleotide position 2195. The lysine at codon 732 is replaced by threonine, an amino acid with similar properties. This amino acid position is conserved. In addition, this alteration is predicted to be tolerated by in silico analysis. Since supporting evidence is limited at this time, the clinical significance of this alteration remains unclear.